The following is an entry in ClinVar:

NM_001330260.2(SCN8A):c.3797G>T (p.Trp1266Leu)

Gene: SCN8A (sodium voltage-gated channel alpha subunit 8; plus strand). Cytogenetic location: 12q13.13.
Variant type: single nucleotide variant.
Coding change: c.3797G>T on transcript NM_001330260.2 (MANE Select); coding-DNA position 3797, G replaced by T.
Protein change: p.Trp1266Leu; replaces tryptophan 1266 with leucine.
Molecular consequence: missense variant.
Genome position (GRCh38, 1-based): chr12:51,774,340, G>T. VCF-style: chr12-51774340-G-T. GRCh37 (hg19) VCF-style: chr12-52168124-G-T.
Other names: c.3797G>T, p.Trp1266Leu (NM_001177984.3, NM_001369788.1, NM_014191.4); short protein forms W1266L.
Identifiers: ClinVar variation 3635198 (VCV003635198.2).
Genomic context (GRCh38, chr12:51,774,340, plus strand): 5'-AGATGTTGCTCAAGTGGACAGCCTATGGCTTCGTCAAGTTCTTCACCAATGCCTGGTGTT[G>T]GCTGGACTTCCTCATTGTGGCTGTAGGTGTCTTGCTTTCTGTTTCCCACCCCTTCCAGCA-3'
Protein context (NP_001317189.1, residues 1256-1276): FVKFFTNAWC[Trp1266Leu]LDFLIVAVSL

ClinVar aggregate classification (germline): Uncertain significance (1 of 4 stars; one submission).

Conditions:
Early-infantile DEE. Also called: Early infantile epileptic encephalopathy; Ohtahara syndrome; Early infantile epileptic encephalopathy with suppression bursts. Identifiers: Orphanet 1934, MedGen C0393706, MONDO:0800491.

Submission:

Labcorp Genetics (formerly Invitae), Labcorp
Classification: Uncertain significance for Early-infantile DEE. Last evaluated: 2024-12-17. Review status: criteria provided, single submitter. Criteria: Invitae Variant Classification Sherloc (09022015). Collection method: clinical testing. Allele origin: germline.
Comment: This sequence change replaces tryptophan, which is neutral and slightly polar, with leucine, which is neutral and non-polar, at codon 1266 of the SCN8A protein (p.Trp1266Leu). This variant is not present in population databases (gnomAD no frequency). This variant has not been reported in the literature in individuals affected with SCN8A-related conditions. Invitae Evidence Modeling of protein sequence and biophysical properties (such as structural, functional, and spatial information, amino acid conservation, physicochemical variation, residue mobility, and thermodynamic stability) indicates that this missense variant is expected to disrupt SCN8A protein function with a positive predictive value of 95%. In summary, the available evidence is currently insufficient to determine the role of this variant in disease. Therefore, it has been classified as a Variant of Uncertain Significance.